The following is an entry in ClinVar:

ClinVar aggregate classification (germline): Uncertain significance. Review status: criteria provided, multiple submitters, no conflicts (2 of 4 stars). 2 submissions from 2 submitters: Uncertain significance (2). Last evaluated 2023-03-29.

Conditions:
Kabuki syndrome 2 (KABUK2). Also called: KDM6A-Related Kabuki Syndrome. Identifiers: Orphanet 2322, MedGen C3275495, MONDO:0010465, OMIM 300867.

Allele frequency attached by ClinVar (database versions not stated): gnomAD exomes below 0.00001; TOPMed below 0.00001.
gnomAD v4.1: 4 of 1,208,518 alleles (0.00033%); highest among the groups gnomAD compares: Non-Finnish European, 0.00045%; no homozygotes.

Submissions (2):

Labcorp Genetics (formerly Invitae), Labcorp
Classification: Uncertain significance for Kabuki syndrome 2. Last evaluated: 2023-03-29. Review status: criteria provided, single submitter. Criteria: Invitae Variant Classification Sherloc (09022015). Collection method: clinical testing. Allele origin: germline.
Comment: In summary, the available evidence is currently insufficient to determine the role of this variant in disease. Therefore, it has been classified as a Variant of Uncertain Significance. Advanced modeling of protein sequence and biophysical properties (such as structural, functional, and spatial information, amino acid conservation, physicochemical variation, residue mobility, and thermodynamic stability) performed at Invitae indicates that this missense variant is not expected to disrupt KDM6A protein function. ClinVar contains an entry for this variant (Variation ID: 451553). This variant has not been reported in the literature in individuals affected with KDM6A-related conditions. This variant is not present in population databases (gnomAD no frequency). This sequence change replaces proline, which is neutral and non-polar, with leucine, which is neutral and non-polar, at codon 405 of the KDM6A protein (p.Pro405Leu).

GeneDx
Classification: Uncertain significance. Last evaluated: 2017-08-22. Review status: criteria provided, single submitter. Criteria: GeneDx Variant Classification (06012015). Collection method: clinical testing. Allele origin: germline. Affected: yes.
Comment: The P405L variant in the KDM6A gene has not been reported previously as a pathogenic variant, nor as a benign variant, to our knowledge. The P405L variant is not observed in large population cohorts (Lek et al., 2016; 1000 Genomes Consortium et al., 2015; Exome Variant Server). The P405L variant is a semi-conservative amino acid substitution, which may impact secondary protein structure as these residues differ in some properties. This substitution occurs at a position that is conserved in mammals. In silico analysis predicts this variant is probably damaging to the protein structure/function. We interpret P405L as a variant of uncertain significance.

NM_001291415.2(KDM6A):c.1214C>T (p.Pro405Leu)

Gene: KDM6A (lysine demethylase 6A; plus strand). Cytogenetic location: Xp11.3.
Variant type: single nucleotide variant.
Coding change: c.1214C>T on transcript NM_001291415.2 (MANE Select); coding-DNA position 1214, C replaced by T.
Protein change: p.Pro405Leu; replaces proline 405 with leucine.
Molecular consequence: missense variant. On other transcripts: intron variant (4).
Genome position (GRCh38, 1-based): chrX:45,060,041, C>T. VCF-style: chrX-45060041-C-T. GRCh37 (hg19) VCF-style: chrX-44919286-C-T.
Other names: c.1214C>T, p.Pro405Leu (NM_021140.4); c.1195-568C>T (NM_001291416.2); c.1194+575C>T (NM_001291417.2, NM_001291418.2); c.441+575C>T (NM_001291421.2); short protein forms P405L.
Identifiers: ClinVar variation 451553 (VCV000451553.8), dbSNP rs1556309489, ClinGen allele CA412783127.